The following is an entry in ClinVar:

NM_000069.3(CACNA1S):c.670A>G (p.Lys224Glu)

Gene: CACNA1S (calcium voltage-gated channel subunit alpha1 S; minus strand). Cytogenetic location: 1q32.1.
Variant type: single nucleotide variant.
Coding change: c.670A>G on transcript NM_000069.3 (MANE Select); coding-DNA position 670, A replaced by G.
Protein change: p.Lys224Glu; replaces lysine 224 with glutamic acid.
Molecular consequence: missense variant.
Genome position (GRCh38, 1-based): chr1:201,091,664, T>C on the plus strand (A>G on the coding strand, the complement: CACNA1S is on the minus strand). VCF-style: chr1-201091664-T-C. GRCh37 (hg19) VCF-style: chr1-201060792-T-C.
Other names: short protein forms K224E.
Identifiers: ClinVar variation 941504 (VCV000941504.34), dbSNP rs374763528, ClinGen allele CA083938.

ClinVar aggregate classification (germline): Conflicting classifications of pathogenicity. Review status: criteria provided, conflicting classifications (1 of 4 stars). 3 submissions from 3 submitters: Uncertain significance (2); Likely benign (1). Last evaluated 2025-11-22.

Conditions:
Malignant hyperthermia, susceptibility to, 5 (MHS5). Also called: CACNA1S-Related Malignant Hyperthermia Susceptibility. Identifiers: Orphanet 423, MedGen C1866077, MONDO:0011163, OMIM 601887.
Hypokalemic periodic paralysis, type 1. Also called: HypoPP; Hypokalemic Periodic Paralysis Type 1 (AD). Identifiers: Orphanet 681, MedGen C3714580, MONDO:0042979, OMIM 170400.

Allele frequency attached by ClinVar (database versions not stated): ExAC 0.00001; gnomAD 0.00003; TOPMed 0.00003; gnomAD exomes 0.00004 and 0.00005; ESP Exome Variant Server 0.00008.
gnomAD v4.1: 81 of 1,614,124 alleles (0.005%); highest among the groups gnomAD compares: Non-Finnish European, 0.0069%; no homozygotes.

Submissions (3):

Labcorp Genetics (formerly Invitae), Labcorp
Classification: Likely benign for Hypokalemic periodic paralysis, type 1; Malignant hyperthermia, susceptibility to, 5. Last evaluated: 2025-11-22. Review status: criteria provided, single submitter. Criteria: Invitae Variant Classification Sherloc (09022015). Collection method: clinical testing. Allele origin: germline.

CeGaT Center for Human Genetics Tuebingen
Classification: Uncertain significance. Last evaluated: 2025-10-01. Review status: criteria provided, single submitter. Criteria: CeGaT Center For Human Genetics Tuebingen Variant Classification Criteria Version 2. Collection method: clinical testing. Allele origin: germline. Affected: yes. Observed: 2 variant alleles.
Comment: CACNA1S: PM2, PP3

Color Diagnostics, LLC DBA Color Health
Classification: Uncertain significance for Malignant hyperthermia, susceptibility to, 5. Last evaluated: 2024-02-14. Review status: criteria provided, single submitter. Criteria: ACMG Guidelines, 2015. Collection method: clinical testing. Allele origin: germline.
Comment: This missense variant replaces lysine with glutamic acid at codon 224 of the CACNA1S protein. Computational prediction suggests that this variant may have deleterious impact on protein structure and function. To our knowledge, functional studies have not been reported for this variant. This variant has not been reported in individuals affected with CACNA1S-related disorders in the literature. This variant has been identified in 11/282884 chromosomes in the general population by the Genome Aggregation Database (gnomAD). The available evidence is insufficient to determine the role of this variant in disease conclusively. Therefore, this variant is classified as a Variant of Uncertain Significance.